The following is an entry in ClinVar:

NC_000023.10:g.(31191722_31196048)_(31196088_31196785)del

Gene: DMD (dystrophin; minus strand). Cytogenetic location: Xp21.2.
Variant type: Deletion.
Identifiers: ClinVar variation 1098793 (VCV001098793.1).

ClinVar aggregate classification (germline): Uncertain significance (1 of 4 stars; one submission).

Submission:

Women's Health and Genetics/Laboratory Corporation of America, LabCorp
Classification: Uncertain significance. Last evaluated: 2021-05-14. Review status: criteria provided, single submitter. Criteria: LabCorp Variant Classification Summary - May 2015. Collection method: clinical testing. Allele origin: germline.
Comment: Variant summary: The variant identified by MLPA or other technology involves the deletion of exon 71 in the DMD gene. A presumed nomenclature of c.(10223+1_10224-1)_(10262+1_10263-1)del has been designated for the purposes of this classification. Although exact breakpoints of this deletion are not known, it is expected to result in a large in-frame deletion in the DMD gene, a known mechanism of disease. The variant was absent in 16120 control chromosomes (gnomAD, Structural Variants dataset v2.1). To our knowledge, no occurrence of exon 71 deletion in individuals affected with Dystrophinopathies and no experimental evidence demonstrating its impact on protein function have been reported in the literature. One ClinVar submitter (evaluation after 2014) cites deletion of exon 71 as uncertain significance. Based on the evidence outlined above, the variant was classified as VUS-possibly pathogenic.